The following is an entry in ClinVar:

ClinVar aggregate classification (germline): Uncertain significance (1 of 4 stars; one submission).

gnomAD v4.1: 1 of 1,606,048 alleles (0.000062%); highest among the groups gnomAD compares: Non-Finnish European, 0.000085%; no homozygotes.

Submission:

GeneDx
Classification: Uncertain significance. Last evaluated: 2023-07-19. Review status: criteria provided, single submitter. Criteria: GeneDx Variant Classification Process June 2021. Collection method: clinical testing. Allele origin: germline. Affected: yes.
Comment: Not observed at significant frequency in large population cohorts (gnomAD); In silico analysis supports that this missense variant does not alter protein structure/function; Has not been previously published as pathogenic or benign to our knowledge

NM_001100913.3(PACS2):c.1885A>C (p.Ser629Arg)

Gene: PACS2 (phosphofurin acidic cluster sorting protein 2; plus strand). Cytogenetic location: 14q32.33.
Variant type: single nucleotide variant.
Coding change: c.1885A>C on transcript NM_001100913.3 (MANE Select); coding-DNA position 1885, A replaced by C.
Protein change: p.Ser629Arg; replaces serine 629 with arginine.
Molecular consequence: missense variant.
Genome position (GRCh38, 1-based): chr14:105,384,457, A>C. VCF-style: chr14-105384457-A-C. GRCh37 (hg19) VCF-style: chr14-105850794-A-C.
Other names: c.1648A>C, p.Ser550Arg (NM_001243127.3); c.1873A>C, p.Ser625Arg (NM_015197.4); short protein forms S550R, S625R, S629R.
Identifiers: ClinVar variation 3361018 (VCV003361018.1).